The following is an entry in ClinVar:

NM_014491.4(FOXP2):c.989+3A>G

Gene: FOXP2 (forkhead box P2; plus strand). Cytogenetic location: 7q31.1.
Variant type: single nucleotide variant.
Coding change: c.989+3A>G on transcript NM_014491.4 (MANE Select); 3 bases into the intron after coding-DNA position 989, A replaced by G.
Molecular consequence: intron variant.
Genome position (GRCh38, 1-based): chr7:114,642,626, A>G. VCF-style: chr7-114642626-A-G. GRCh37 (hg19) VCF-style: chr7-114282681-A-G.
Other names: c.1064+3A>G (NM_148898.4, NM_001172767.2); c.1040+3A>G (NM_148900.4); c.986+3A>G (NM_001172766.3); c.989+3A>G (NM_148899.3).
Identifiers: ClinVar variation 2657954 (VCV002657954.24), dbSNP rs2485386741, ClinGen allele CA2695199614.

ClinVar aggregate classification (germline): Uncertain significance (1 of 4 stars; one submission).

Submission:

CeGaT Center for Human Genetics Tuebingen
Classification: Uncertain significance. Last evaluated: 2023-08-01. Review status: criteria provided, single submitter. Criteria: CeGaT Center For Human Genetics Tuebingen Variant Classification Criteria Version 2. Collection method: clinical testing. Allele origin: germline. Affected: yes. Observed: 1 variant allele.
Comment: FOXP2: PM2, BP4